The following is an entry in ClinVar:

ClinVar aggregate classification (germline): Pathogenic (1 of 4 stars; one submission).

Conditions:
Werner syndrome (WRN). Identifiers: Orphanet 902, MedGen C0043119, MONDO:0010196, OMIM 277700.

Submission:

Labcorp Genetics (formerly Invitae), Labcorp
Classification: Pathogenic for Werner syndrome. Last evaluated: 2023-09-29. Review status: criteria provided, single submitter. Criteria: Invitae Variant Classification Sherloc (09022015). Collection method: clinical testing. Allele origin: germline.
Comment: This sequence change creates a premature translational stop signal (p.Trp145*) in the WRN gene. It is expected to result in an absent or disrupted protein product. Loss-of-function variants in WRN are known to be pathogenic (PMID: 16673358). This variant is not present in population databases (gnomAD no frequency). This variant has not been reported in the literature in individuals affected with WRN-related conditions. ClinVar contains an entry for this variant (Variation ID: 2133913). For these reasons, this variant has been classified as Pathogenic.

Literature cited by the submitters: PubMed 16673358.

NM_000553.6(WRN):c.434G>A (p.Trp145Ter)

Gene: WRN (WRN RecQ like helicase; plus strand). Cytogenetic location: 8p12.
Variant type: single nucleotide variant.
Coding change: c.434G>A on transcript NM_000553.6 (MANE Select); coding-DNA position 434, G replaced by A.
Protein change: p.Trp145Ter; replaces tryptophan 145 with a stop codon.
Molecular consequence: nonsense.
Genome position (GRCh38, 1-based): chr8:31,064,993, G>A. VCF-style: chr8-31064993-G-A. GRCh37 (hg19) VCF-style: chr8-30922509-G-A.
Other names: short protein forms W145*.
Identifiers: ClinVar variation 2133913 (VCV002133913.4), dbSNP rs2130036699, ClinGen allele CA370914829.